The following is an entry in ClinVar:

NM_017763.6(RNF43):c.758G>A (p.Arg253Lys)

Gene: RNF43 (ring finger protein 43; minus strand). Cytogenetic location: 17q22.
Variant type: single nucleotide variant.
Coding change: c.758G>A on transcript NM_017763.6 (MANE Select); coding-DNA position 758, G replaced by A.
Protein change: p.Arg253Lys; replaces arginine 253 with lysine.
Molecular consequence: missense variant.
Genome position (GRCh38, 1-based): chr17:58,360,874, C>T on the plus strand (G>A on the coding strand, the complement: RNF43 is on the minus strand). VCF-style: chr17-58360874-C-T. GRCh37 (hg19) VCF-style: chr17-56438235-C-T.
Other names: c.758G>A, p.Arg253Lys (NM_001305544.3, NM_001438820.1, NM_001438821.1 and 1 more transcripts); c.377G>A, p.Arg126Lys (NM_001305545.2, NM_001437987.1); short protein forms R126K, R253K.
Identifiers: ClinVar variation 4863431 (VCV004863431.1).

ClinVar aggregate classification (germline): Uncertain significance (1 of 4 stars; one submission).

Submission:

Ambry Genetics
Classification: Uncertain significance. Last evaluated: 2026-06-04. Review status: criteria provided, single submitter. Criteria: Ambry Variant Classification Scheme 2023. Collection method: clinical testing. Allele origin: germline.
Comment: The p.R253K variant (also known as c.758G>A), located in coding exon 6 of the RNF43 gene, results from a G to A substitution at nucleotide position 758. The arginine at codon 253 is replaced by lysine, an amino acid with highly similar properties. This amino acid position is conserved. In addition, this alteration is predicted to be tolerated by in silico analysis. Based on the available evidence, the clinical significance of this variant remains unclear.